The following is an entry in ClinVar:

ClinVar aggregate classification (germline): Conflicting classifications of pathogenicity. Review status: criteria provided, conflicting classifications (1 of 4 stars). 4 submissions from 4 submitters: Likely pathogenic (1); Uncertain significance (3). Last evaluated 2026-08-26.

Conditions:
NDST1-related disorder. Also called: NDST1-related condition.
Intellectual developmental disorder, autosomal recessive 46. Also called: Intellectual disability, autosomal recessive 46. Identifiers: Orphanet 88616, MedGen C4015283, MONDO:0014499, OMIM 616116.
Inborn genetic diseases. Identifiers: MedGen C0950123, MeSH D030342.

Allele frequency attached by ClinVar (database versions not stated): gnomAD 0.00008; TOPMed 0.00008; ExAC 0.00002; ESP Exome Variant Server 0.00008.

Submissions (4):

PreventionGenetics, part of Exact Sciences
Classification: Uncertain significance for NDST1-related condition. Last evaluated: 2026-08-26. Review status: criteria provided, single submitter. Criteria: ACMG Guidelines, 2015. Collection method: clinical testing. Allele origin: germline.
Comment: The NDST1 c.914G>A variant is predicted to result in the amino acid substitution p.Arg305His. To our knowledge, this variant has not been reported in the literature. This variant is reported in 0.068% of alleles in individuals of Ashkenazi Jewish descent in gnomAD. At this time, the clinical significance of this variant is uncertain due to the absence of conclusive functional and genetic evidence.

Center of Human Genetics, Hôpital Erasme
Classification: Likely pathogenic for Intellectual developmental disorder, autosomal recessive 46. Last evaluated: 2025-01-01. Review status: criteria provided, single submitter. Criteria: ACMG Guidelines, 2015. Collection method: clinical testing. Allele origin: inherited. Affected: yes.

Labcorp Genetics (formerly Invitae), Labcorp
Classification: Uncertain significance. Last evaluated: 2022-09-09. Review status: criteria provided, single submitter. Criteria: Invitae Variant Classification Sherloc (09022015). Collection method: clinical testing. Allele origin: germline.
Comment: In summary, the available evidence is currently insufficient to determine the role of this variant in disease. Therefore, it has been classified as a Variant of Uncertain Significance. Advanced modeling of protein sequence and biophysical properties (such as structural, functional, and spatial information, amino acid conservation, physicochemical variation, residue mobility, and thermodynamic stability) performed at Invitae indicates that this missense variant is not expected to disrupt NDST1 protein function. This variant has not been reported in the literature in individuals affected with NDST1-related conditions. This variant is present in population databases (rs200616920, gnomAD 0.07%). This sequence change replaces arginine, which is basic and polar, with histidine, which is basic and polar, at codon 305 of the NDST1 protein (p.Arg305His).

Ambry Genetics
Classification: Uncertain significance for Inborn genetic diseases. Last evaluated: 2021-08-16. Review status: criteria provided, single submitter. Criteria: Ambry Variant Classification Scheme 2023. Collection method: clinical testing. Allele origin: germline.

NM_001543.5(NDST1):c.914G>A (p.Arg305His)

Gene: NDST1 (N-deacetylase and N-sulfotransferase 1; plus strand). Cytogenetic location: 5q33.1.
Variant type: single nucleotide variant.
Coding change: c.914G>A on transcript NM_001543.5 (MANE Select); coding-DNA position 914, G replaced by A.
Protein change: p.Arg305His; replaces arginine 305 with histidine.
Molecular consequence: missense variant.
Genome position (GRCh38, 1-based): chr5:150,528,204, G>A. VCF-style: chr5-150528204-G-A. GRCh37 (hg19) VCF-style: chr5-149907766-G-A.
Other names: c.914G>A, p.Arg305His (NM_001301063.2); short protein forms R305H.
Identifiers: ClinVar variation 1982788 (VCV001982788.7), dbSNP rs200616920, ClinGen allele CA3512519.